The following is an entry in ClinVar:

ClinVar aggregate classification (germline): Uncertain significance (1 of 4 stars; one submission).

Submission:

GeneDx
Classification: Uncertain significance. Last evaluated: 2025-04-05. Review status: criteria provided, single submitter. Criteria: GeneDx Variant Classification Process June 2021. Collection method: clinical testing. Allele origin: germline.
Comment: Not observed at significant frequency in large population cohorts (gnomAD); In silico analysis supports that this missense variant has a deleterious effect on protein structure/function; Has not been previously published as pathogenic or benign to our knowledge

NM_001291415.2(KDM6A):c.2060A>C (p.Gln687Pro)

Gene: KDM6A (lysine demethylase 6A; plus strand). Cytogenetic location: Xp11.3.
Variant type: single nucleotide variant.
Coding change: c.2060A>C on transcript NM_001291415.2 (MANE Select); coding-DNA position 2060, A replaced by C.
Protein change: p.Gln687Pro; replaces glutamine 687 with proline.
Molecular consequence: missense variant. On other transcripts: non-coding transcript variant (1).
Genome position (GRCh38, 1-based): chrX:45,063,798, A>C. VCF-style: chrX-45063798-A-C. GRCh37 (hg19) VCF-style: chrX-44923043-A-C.
Other names: c.1925A>C, p.Gln642Pro (NM_001291416.2, NM_001419811.1); c.1769A>C, p.Gln590Pro (NM_001291417.2); c.1667A>C, p.Gln556Pro (NM_001291418.2, NM_001419815.1); c.1016A>C, p.Gln339Pro (NM_001291421.2); c.1802A>C, p.Gln601Pro (NM_001410742.1, NM_001419814.1); c.2060A>C, p.Gln687Pro (NM_001419809.1); c.1958A>C, p.Gln653Pro (NM_001419810.1, NM_001419813.1); c.1904A>C, p.Gln635Pro (NM_001419812.1, NM_021140.4); short protein forms Q339P, Q556P, Q590P, Q601P, Q635P, Q642P, Q653P, Q687P.
Identifiers: ClinVar variation 3367625 (VCV003367625.2).